The following is an entry in ClinVar:

NM_000143.4(FH):c.1304T>A (p.Val435Glu)

Gene: FH (fumarate hydratase; minus strand). Cytogenetic location: 1q43.
Variant type: single nucleotide variant.
Coding change: c.1304T>A on transcript NM_000143.4 (MANE Select); coding-DNA position 1304, T replaced by A.
Protein change: p.Val435Glu; replaces valine 435 with glutamic acid.
Molecular consequence: missense variant.
Genome position (GRCh38, 1-based): chr1:241,500,523, A>T on the plus strand (T>A on the coding strand, the complement: FH is on the minus strand). VCF-style: chr1-241500523-A-T. GRCh37 (hg19) VCF-style: chr1-241663823-A-T.
Other names: short protein forms V435E.
Identifiers: ClinVar variation 5021745 (VCV005021745.1).
Genomic context (GRCh38, chr1:241,500,523, plus strand): 5'-AACATTAGAGACTCATTCATCAGCTTGTTGATCCTTTCTGTATTGGCCTGGATTCCCACC[A>T]CGCAGTTTTCTGTAAAGGAAACTGAAGCATCCCCCAGCAGCCTGGCTGAGTGTAACACAT-3'
Protein context (NP_000134.2, residues 425-445): DASVSFTENC[Val435Glu]VGIQANTERI

ClinVar aggregate classification (germline): Uncertain significance (1 of 4 stars; one submission).

Conditions:
Hereditary cancer-predisposing syndrome. Also called: Neoplastic Syndromes, Hereditary; Tumor predisposition; Hereditary neoplastic syndrome; Hereditary Cancer Syndrome. Identifiers: Orphanet 140162, MedGen C0027672, MeSH D009386, MONDO:0015356.

Submission:

Ambry Genetics
Classification: Uncertain significance for Hereditary cancer-predisposing syndrome. Last evaluated: 2026-07-07. Review status: criteria provided, single submitter. Criteria: Ambry Variant Classification Scheme 2023. Collection method: clinical testing. Allele origin: germline.
Comment: The p.V435E variant (also known as c.1304T>A), located in coding exon 9 of the FH gene, results from a T to A substitution at nucleotide position 1304. The valine at codon 435 is replaced by glutamic acid, an amino acid with dissimilar properties. This amino acid position is conserved. In addition, this alteration is predicted to be deleterious by in silico analysis. Based on the available evidence, the clinical significance of this variant remains unclear.